The following is an entry in ClinVar:

ClinVar aggregate classification (germline): Uncertain significance (1 of 4 stars; one submission).

Allele frequency attached by ClinVar (database versions not stated): gnomAD exomes below 0.00001.

Submission:

Ambry Genetics
Classification: Uncertain significance. Last evaluated: 2023-05-27. Review status: criteria provided, single submitter. Criteria: Ambry Variant Classification Scheme 2023. Collection method: clinical testing. Allele origin: germline.
Comment: The p.D171N variant (also known as c.511G>A), located in coding exon 1 of the EGLN1 gene, results from a G to A substitution at nucleotide position 511. The aspartic acid at codon 171 is replaced by asparagine, an amino acid with highly similar properties. This amino acid position is conserved. In addition, this alteration is predicted to be tolerated by in silico analysis. Since supporting evidence is limited at this time, the clinical significance of this alteration remains unclear.

NM_022051.3(EGLN1):c.511G>A (p.Asp171Asn)

Gene: EGLN1 (egl-9 family hypoxia inducible factor 1; minus strand). Cytogenetic location: 1q42.2.
Variant type: single nucleotide variant.
Coding change: c.511G>A on transcript NM_022051.3 (MANE Select); coding-DNA position 511, G replaced by A.
Protein change: p.Asp171Asn; replaces aspartic acid 171 with asparagine.
Molecular consequence: missense variant.
Genome position (GRCh38, 1-based): chr1:231,421,378, C>T on the plus strand (G>A on the coding strand, the complement: EGLN1 is on the minus strand). VCF-style: chr1-231421378-C-T. GRCh37 (hg19) VCF-style: chr1-231557124-C-T.
Other names: c.511G>A, p.Asp171Asn (NM_001377260.1, NM_001377261.1); short protein forms D171N.
Identifiers: ClinVar variation 2565136 (VCV002565136.2), dbSNP rs2527359739, ClinGen allele CA345236762.
Genomic context (GRCh38, chr1:231,421,378, plus strand): 5'-GCGCCGGCAGGGGCTTCGTCTGCCCGTTGGGCCGCAGGCCGCCGCCGGGGCTCAGCGCAT[C>T]CCCGGGCGTGTTGCTTGGGGGGTACAGGTTCGCCTTCTCCTGGAACAGCGATGAGCGGGC-3'
Protein context (NP_071334.1, residues 161-181): NLYPPSNTPG[Asp171Asn]ALSPGGGLRP